The following is an entry in ClinVar:

ClinVar aggregate classification (germline): Benign/Likely benign. Review status: criteria provided, multiple submitters, no conflicts (2 of 4 stars). 5 submissions from 5 submitters: Benign (1); Likely benign (4). Last evaluated 2026-04-17.

Conditions:
Hereditary cancer-predisposing syndrome. Also called: Tumor predisposition; Hereditary neoplastic syndrome; Hereditary Cancer Syndrome; Neoplastic Syndromes, Hereditary. Identifiers: Orphanet 140162, MedGen C0027672, MeSH D009386, MONDO:0015356.
DICER1-related tumor predisposition. Also called: DICER1-related pleuropulmonary blastoma cancer predisposition syndrome; DICER1 syndrome. Identifiers: Orphanet 284343, MedGen C3839822, MONDO:0100216.

Allele frequency attached by ClinVar (database versions not stated): gnomAD 0.00001; TOPMed 0.00001.
gnomAD v4.1: 1 of 1,614,054 alleles (0.000062%); highest among the groups gnomAD compares: Admixed American, 0.0017%; no homozygotes.

Submissions (5):

Myriad Genetics, Inc.
Classification: Benign for DICER1-related tumor predisposition. Last evaluated: 2026-04-17. Review status: criteria provided, single submitter. Criteria: Myriad Autosomal Dominant, Autosomal Recessive and X-Linked Classification Criteria (2023). Collection method: clinical testing. Allele origin: unknown.
Comment: This variant is considered benign. This variant is a silent/synonymous amino acid change and it is not expected to impact splicing.

Labcorp Genetics (formerly Invitae), Labcorp
Classification: Likely benign for DICER1-related tumor predisposition. Last evaluated: 2025-11-02. Review status: criteria provided, single submitter. Criteria: Invitae Variant Classification Sherloc (09022015). Collection method: clinical testing. Allele origin: germline.

Blueprint Genetics
Classification: Likely benign. Last evaluated: 2022-07-17. Review status: criteria provided, single submitter. Criteria: ACMG Guidelines, 2015. Collection method: clinical testing. Allele origin: germline.

Ambry Genetics
Classification: Likely benign for Hereditary cancer-predisposing syndrome. Last evaluated: 2017-05-16. Review status: criteria provided, single submitter. Criteria: Ambry Variant Classification Scheme 2023. Collection method: clinical testing. Allele origin: germline.

PreventionGenetics, part of Exact Sciences
Classification: Likely benign. Review status: criteria provided, single submitter. Criteria: ACMG Guidelines, 2015. Collection method: clinical testing. Allele origin: germline.

NM_177438.3(DICER1):c.3465G>T (p.Thr1155=)

Gene: DICER1 (dicer 1, ribonuclease III; minus strand). Cytogenetic location: 14q32.13.
Variant type: single nucleotide variant.
Coding change: c.3465G>T on transcript NM_177438.3 (MANE Select); coding-DNA position 3465, G replaced by T.
Protein change: p.Thr1155=; no amino-acid change (threonine 1155 retained).
Molecular consequence: synonymous variant.
Genome position (GRCh38, 1-based): chr14:95,103,931, C>A on the plus strand (G>T on the coding strand, the complement: DICER1 is on the minus strand). VCF-style: chr14-95103931-C-A. GRCh37 (hg19) VCF-style: chr14-95570268-C-A.
Other names: c.3465G>T, p.Thr1155= (NM_001195573.1, NM_001271282.3, NM_001291628.2 and 1 more transcripts).
Identifiers: ClinVar variation 261923 (VCV000261923.21), dbSNP rs377272036, ClinGen allele CA10587194.